The following is an entry in ClinVar:

NM_002234.4(KCNA5):c.1667dup (p.Ser557fs)

Gene: KCNA5 (potassium voltage-gated channel subfamily A member 5; plus strand). Cytogenetic location: 12p13.32.
Variant type: Duplication.
Coding change: c.1667dup on transcript NM_002234.4 (MANE Select); coding-DNA position 1667, one base duplicated (T; older notation c.1667dupT).
Protein change: p.Ser557fs; shifts the reading frame from serine 557.
Molecular consequence: frameshift variant.
Genome position (GRCh38, 1-based): chr12:5,045,814, T duplicated. VCF-style (leftmost placement, unchanged base first): chr12-5045813-G-GT. GRCh37 (hg19) VCF-style: chr12-5154979-G-GT.
Other names: short protein forms S557fs.
Identifiers: ClinVar variation 2189754 (VCV002189754.4), dbSNP rs2497481189, ClinGen allele CA2575052199.
Genomic context (GRCh38, chr12:5,045,813, plus strand): 5'-AAGGAAGAGCAGGGCACTCAGAGCCAGGGGCCGGGGCTGGACAGAGGAGTCCAGCGGAAG[G>GT]TCAGCGGGAGCAGGGGATCCTTCTGCAAGGCTGGGGGGACCCTGGAGAATGCAGACAGTG-3'

ClinVar aggregate classification (germline): Uncertain significance (1 of 4 stars; one submission).

Conditions:
Atrial fibrillation, familial, 7 (ATFB7). Identifiers: MedGen C2677106, MONDO:0012828, OMIM 612240.

Allele frequency attached by ClinVar (database versions not stated): gnomAD exomes below 0.00001.

Submission:

Labcorp Genetics (formerly Invitae), Labcorp
Classification: Uncertain significance for Atrial fibrillation, familial, 7. Last evaluated: 2022-02-22. Review status: criteria provided, single submitter. Criteria: Invitae Variant Classification Sherloc (09022015). Collection method: clinical testing. Allele origin: germline.
Comment: Experimental studies and prediction algorithms are not available or were not evaluated, and the functional significance of this variant is currently unknown. In summary, the available evidence is currently insufficient to determine the role of this variant in disease. Therefore, it has been classified as a Variant of Uncertain Significance. This variant is not present in population databases (gnomAD no frequency). This variant has not been reported in the literature in individuals affected with KCNA5-related conditions. This sequence change creates a premature translational stop signal (p.Ser557Glnfs*31) in the KCNA5 gene. While this is not anticipated to result in nonsense mediated decay, it is expected to disrupt the last 57 amino acid(s) of the KCNA5 protein.